The following is an entry in ClinVar:

NM_144687.4(NLRP12):c.119A>G (p.Glu40Gly)

Gene: NLRP12 (NLR family pyrin domain containing 12; minus strand). Cytogenetic location: 19q13.42.
Variant type: single nucleotide variant.
Coding change: c.119A>G on transcript NM_144687.4 (MANE Select); coding-DNA position 119, A replaced by G.
Protein change: p.Glu40Gly; replaces glutamic acid 40 with glycine.
Molecular consequence: missense variant.
Genome position (GRCh38, 1-based): chr19:53,824,056, T>C on the plus strand (A>G on the coding strand, the complement: NLRP12 is on the minus strand). VCF-style: chr19-53824056-T-C. GRCh37 (hg19) VCF-style: chr19-54327310-T-C.
Other names: c.119A>G, p.Glu40Gly (NM_001277126.2, NM_001277129.1); short protein forms E40G.
Identifiers: ClinVar variation 1516148 (VCV001516148.7), dbSNP rs1271135647, ClinGen allele CA407419296.
Genomic context (GRCh38, chr19:53,824,056, plus strand): 5'-AGCAGCTGGGCCATTTCCAGGGGACCGGCCTTCTCCATGCTTCCCCAGGGGATCTTGCCT[T>C]CTCCCAGCTCTGTCGCGGTCCCCAGGTATAACTTGAACTTCTTCAGTTCCACAGCCTCGA-3'
Protein context (NP_653288.1, residues 30-50): LYLGTATELG[Glu40Gly]GKIPWGSMEK

ClinVar aggregate classification (germline): Uncertain significance (1 of 4 stars; one submission).

Conditions:
Familial cold autoinflammatory syndrome 2 (FCAS2). Identifiers: Orphanet 247868, MedGen C2673198, MONDO:0012724, OMIM 611762.

Allele frequency attached by ClinVar (database versions not stated): gnomAD exomes below 0.00001 and 0.00001; gnomAD 0.00001.

Submission:

Labcorp Genetics (formerly Invitae), Labcorp
Classification: Uncertain significance for Familial cold autoinflammatory syndrome 2. Last evaluated: 2024-05-08. Review status: criteria provided, single submitter. Criteria: Invitae Variant Classification Sherloc (09022015). Collection method: clinical testing. Allele origin: germline.
Comment: This sequence change replaces glutamic acid, which is acidic and polar, with glycine, which is neutral and non-polar, at codon 40 of the NLRP12 protein (p.Glu40Gly). This variant is present in population databases (no rsID available, gnomAD 0.003%). This variant has not been reported in the literature in individuals affected with NLRP12-related conditions. ClinVar contains an entry for this variant (Variation ID: 1516148). Advanced modeling of protein sequence and biophysical properties (such as structural, functional, and spatial information, amino acid conservation, physicochemical variation, residue mobility, and thermodynamic stability) performed at Invitae indicates that this missense variant is not expected to disrupt NLRP12 protein function with a negative predictive value of 80%. In summary, the available evidence is currently insufficient to determine the role of this variant in disease. Therefore, it has been classified as a Variant of Uncertain Significance.